The following is an entry in ClinVar:

ClinVar aggregate classification (germline): Likely benign. Review status: criteria provided, multiple submitters, no conflicts (2 of 4 stars). 9 submissions from 9 submitters: Likely benign (5). 4 of the submissions do not count toward it. Last evaluated 2026-01-07.

Conditions:
FBN2-related disorder. Also called: FBN2-related condition.
Congenital contractural arachnodactyly (CCA). Also called: Arthrogryposis, distal, type 9; Beals-Hecht syndrome; BEALS SYNDROME. Identifiers: Orphanet 115, MedGen C0220668, MONDO:0007363, OMIM 121050.
Familial thoracic aortic aneurysm and aortic dissection (TAAD). Also called: Thoracic aortic aneurysms and dissections. Identifiers: Orphanet 91387, MedGen C4707243, MONDO:0019625.

Allele frequency attached by ClinVar (database versions not stated): TOPMed 0.00015; gnomAD 0.00016 and 0.00017; ExAC 0.00021; gnomAD exomes 0.00022 and 0.00042; ESP Exome Variant Server 0.00046.
gnomAD v4.1: 634 of 1,612,598 alleles (0.039%); highest among the groups gnomAD compares: Non-Finnish European, 0.051%; no homozygotes.

Submissions (9):

Labcorp Genetics (formerly Invitae), Labcorp
Classification: Likely benign for Congenital contractural arachnodactyly. Last evaluated: 2026-01-07. Review status: criteria provided, single submitter. Criteria: Invitae Variant Classification Sherloc (09022015). Collection method: clinical testing. Allele origin: germline.

Blueprint Genetics
Classification: Likely benign. Last evaluated: 2024-10-02. Review status: criteria provided, single submitter. Criteria: ACMG Guidelines, 2015. Collection method: clinical testing. Allele origin: germline.

GeneDx
Classification: Likely benign. Last evaluated: 2020-12-14. Review status: criteria provided, single submitter. Criteria: GeneDx Variant Classification Process June 2021. Collection method: clinical testing. Allele origin: germline. Affected: yes.

CeGaT Center for Human Genetics Tuebingen
Classification: Likely benign. Last evaluated: 2018-03-01. Review status: criteria provided, single submitter. Criteria: CeGaT Center For Human Genetics Tuebingen Variant Classification Criteria Version 2. Collection method: clinical testing. Allele origin: germline. Affected: yes. Observed: 1 variant allele.

Ambry Genetics
Classification: Likely benign for Familial thoracic aortic aneurysm and aortic dissection. Last evaluated: 2017-09-22. Review status: criteria provided, single submitter. Criteria: Ambry Variant Classification Scheme 2023. Collection method: clinical testing. Allele origin: germline.

PreventionGenetics, part of Exact Sciences
Classification: Likely benign for FBN2-related condition. Last evaluated: 2019-02-21. Review status: no assertion criteria provided. Collection method: clinical testing. Allele origin: germline. Not counted in ClinVar's aggregate classification.
Comment: This variant is classified as likely benign based on ACMG/AMP sequence variant interpretation guidelines (Richards et al. 2015 PMID: 25741868, with internal and published modifications).

Clinical Genetics DNA and cytogenetics Diagnostics Lab, Erasmus MC, Erasmus Medical Center
Classification: Likely benign. Review status: no assertion criteria provided. Collection method: clinical testing. Allele origin: germline. Affected: yes. Study: VKGL Data-share Consensus. Not counted in ClinVar's aggregate classification.

Genome Diagnostics Laboratory, Amsterdam University Medical Center
Classification: Likely benign. Review status: no assertion criteria provided. Collection method: clinical testing. Allele origin: germline. Affected: yes. Study: VKGL Data-share Consensus. Not counted in ClinVar's aggregate classification.

Laboratory of Diagnostic Genome Analysis, Leiden University Medical Center (LUMC)
Classification: Likely benign. Review status: no assertion criteria provided. Collection method: clinical testing. Allele origin: germline. Affected: yes. Study: VKGL Data-share Consensus. Not counted in ClinVar's aggregate classification.

NM_001999.4(FBN2):c.1466-4G>A

Gene: FBN2 (fibrillin 2; minus strand). Cytogenetic location: 5q23.3.
Variant type: single nucleotide variant.
Coding change: c.1466-4G>A on transcript NM_001999.4 (MANE Select); 4 bases into the intron before coding-DNA position 1466, G replaced by A.
Molecular consequence: intron variant.
Genome position (GRCh38, 1-based): chr5:128,392,159, C>T on the plus strand (G>A on the coding strand, the complement: FBN2 is on the minus strand). VCF-style: chr5-128392159-C-T. GRCh37 (hg19) VCF-style: chr5-127727852-C-T.
Identifiers: ClinVar variation 263817 (VCV000263817.59), dbSNP rs371636769, ClinGen allele CA3395790.
Genomic context (GRCh38, chr5:128,392,159, plus strand): 5'-CATTTAAACAAAGGTTAGCATGATGCTTACAGATATCTATTGTCTGGTTCAGAATTGCTA[C>T]GGAAAATTAAAGCACAATTATATTTAATCATTACAACATGCATTACTTTTCTGAATTGAT-3'